The following is an entry in ClinVar:

NM_020639.3(RIPK4):c.1136C>T (p.Ser379Phe)

Gene: RIPK4 (receptor interacting serine/threonine kinase 4; minus strand). Cytogenetic location: 21q22.3.
Variant type: single nucleotide variant.
Coding change: c.1136C>T on transcript NM_020639.3 (MANE Select); coding-DNA position 1136, C replaced by T.
Protein change: p.Ser379Phe; replaces serine 379 with phenylalanine.
Molecular consequence: missense variant.
Genome position (GRCh38, 1-based): chr21:41,743,941, G>A on the plus strand (C>T on the coding strand, the complement: RIPK4 is on the minus strand). VCF-style: chr21-41743941-G-A. GRCh37 (hg19) VCF-style: chr21-43164101-G-A.
Other names: short protein forms S379F.
Identifiers: ClinVar variation 3765857 (VCV003765857.1).

ClinVar aggregate classification (germline): Uncertain significance (1 of 4 stars; one submission).

Submission:

Greenwood Genetic Center Diagnostic Laboratories, Greenwood Genetic Center
Classification: Uncertain significance. Last evaluated: 2024-07-22. Review status: criteria provided, single submitter. Criteria: ACMG Guidelines, 2015. Collection method: clinical testing. Allele origin: germline. Affected: yes.
Comment: Gene of Uncertain Significance